The following is an entry in ClinVar:

ClinVar aggregate classification (germline): Benign (1 of 4 stars; one submission).

Allele frequency attached by ClinVar (database versions not stated): 1000 Genomes Project 30x 0.10853; 1000 Genomes Project 0.10503; TOPMed 0.15902; gnomAD 0.16892.
gnomAD v4.1: 24,953 of 152,140 alleles (16%); highest among the groups gnomAD compares: Non-Finnish European, 18%; 2,252 homozygotes.

Submission:

GeneDx
Classification: Benign. Last evaluated: 2018-06-14. Review status: criteria provided, single submitter. Criteria: GeneDx Variant Classification (06012015). Collection method: clinical testing. Allele origin: germline. Affected: yes.
Comment: This variant is considered likely benign or benign based on one or more of the following criteria: it is a conservative change, it occurs at a poorly conserved position in the protein, it is predicted to be benign by multiple in silico algorithms, and/or has population frequency not consistent with disease.

NM_003383.5(VLDLR):c.2417-191C>T

Gene: VLDLR (very low density lipoprotein receptor; plus strand). Cytogenetic location: 9p24.2.
Variant type: single nucleotide variant.
Coding change: c.2417-191C>T on transcript NM_003383.5 (MANE Select); 191 bases into the intron before coding-DNA position 2417, C replaced by T.
Molecular consequence: intron variant.
Genome position (GRCh38, 1-based): chr9:2,652,589, C>T. VCF-style: chr9-2652589-C-T. GRCh37 (hg19) VCF-style: chr9-2652589-C-T.
Other names: c.2333-191C>T (NM_001018056.3); c.2294-191C>T (NM_001322225.2); c.2210-191C>T (NM_001322226.2).
Identifiers: ClinVar variation 672299 (VCV000672299.1), dbSNP rs35075133, ClinGen allele CA13118682.